The following is an entry in ClinVar:

ClinVar aggregate classification (germline): Uncertain significance (1 of 4 stars; one submission).

Conditions:
Nephronophthisis. Also called: Juvenile Nephronophthisis. Identifiers: Orphanet 655, MedGen C0687120, MONDO:0019005, HP:0000090.

Submission:

Labcorp Genetics (formerly Invitae), Labcorp
Classification: Uncertain significance for Nephronophthisis. Last evaluated: 2021-01-15. Review status: criteria provided, single submitter. Criteria: Invitae Variant Classification Sherloc (09022015). Collection method: clinical testing. Allele origin: germline.
Comment: This sequence change replaces proline with histidine at codon 579 of the NPHP4 protein (p.Pro579His). The proline residue is highly conserved and there is a moderate physicochemical difference between proline and histidine. This variant is not present in population databases (ExAC no frequency). This variant has not been reported in the literature in individuals with NPHP4-related conditions. Algorithms developed to predict the effect of missense changes on protein structure and function are either unavailable or do not agree on the potential impact of this missense change (SIFT: "Deleterious"; PolyPhen-2: "Probably Damaging"; Align-GVGD: "Class C0"). In summary, the available evidence is currently insufficient to determine the role of this variant in disease. Therefore, it has been classified as a Variant of Uncertain Significance.

NM_015102.5(NPHP4):c.1736C>A (p.Pro579His)

Gene: NPHP4 (nephrocystin 4; minus strand). Cytogenetic location: 1p36.31.
Variant type: single nucleotide variant.
Coding change: c.1736C>A on transcript NM_015102.5 (MANE Select); coding-DNA position 1736, C replaced by A.
Protein change: p.Pro579His; replaces proline 579 with histidine.
Molecular consequence: missense variant. On other transcripts: non-coding transcript variant (1).
Genome position (GRCh38, 1-based): chr1:5,905,659, G>T on the plus strand (C>A on the coding strand, the complement: NPHP4 is on the minus strand). VCF-style: chr1-5905659-G-T. GRCh37 (hg19) VCF-style: chr1-5965719-G-T.
Other names: c.197C>A, p.Pro66His (NM_001291593.2); c.200C>A, p.Pro67His (NM_001291594.2); short protein forms P579H, P66H, P67H.
Identifiers: ClinVar variation 1060347 (VCV001060347.9), dbSNP rs2101139333, ClinGen allele CA338055143.